The following is an entry in ClinVar:

ClinVar aggregate classification (germline): Uncertain significance. Review status: criteria provided, multiple submitters, no conflicts (2 of 4 stars). 2 submissions from 2 submitters: Uncertain significance (2). Last evaluated 2025-07-14.

Conditions:
Aortic aneurysm, familial thoracic 8 (AAT8). Identifiers: MedGen C3809513, MONDO:0014187, OMIM 615436.

Allele frequency attached by ClinVar (database versions not stated): TOPMed below 0.00001; gnomAD exomes 0.00001 and 0.00002; ExAC 0.00002.

Submissions (2):

Labcorp Genetics (formerly Invitae), Labcorp
Classification: Uncertain significance for Aortic aneurysm, familial thoracic 8. Last evaluated: 2025-07-14. Review status: criteria provided, single submitter. Criteria: Invitae Variant Classification Sherloc (09022015). Collection method: clinical testing. Allele origin: germline.
Comment: This sequence change replaces arginine, which is basic and polar, with histidine, which is basic and polar, at codon 285 of the PRKG1 protein (p.Arg285His). This variant is present in population databases (rs765812630, gnomAD 0.004%). This variant has not been reported in the literature in individuals affected with PRKG1-related conditions. ClinVar contains an entry for this variant (Variation ID: 1693401). An algorithm developed to predict the effect of missense changes on protein structure and function (PolyPhen-2) suggests that this variant is likely to be tolerated. In summary, the available evidence is currently insufficient to determine the role of this variant in disease. Therefore, it has been classified as a Variant of Uncertain Significance.

GeneDx
Classification: Uncertain significance. Last evaluated: 2022-01-03. Review status: criteria provided, single submitter. Criteria: GeneDx Variant Classification Process June 2021. Collection method: clinical testing. Allele origin: germline. Affected: yes.
Comment: Has not been previously published as pathogenic or benign to our knowledge; Not observed at significant frequency in large population cohorts (gnomAD); In silico analysis supports that this missense variant has a deleterious effect on protein structure/function

NM_006258.4(PRKG1):c.854G>A (p.Arg285His)

Gene: PRKG1 (protein kinase cGMP-dependent 1; plus strand). Cytogenetic location: 10q21.1.
Variant type: single nucleotide variant.
Coding change: c.854G>A on transcript NM_006258.4 (MANE Select); coding-DNA position 854, G replaced by A.
Protein change: p.Arg285His; replaces arginine 285 with histidine.
Molecular consequence: missense variant. On other transcripts: 5 prime UTR variant (1).
Genome position (GRCh38, 1-based): chr10:52,062,550, G>A. VCF-style: chr10-52062550-G-A. GRCh37 (hg19) VCF-style: chr10-53822310-G-A.
Other names: c.809G>A, p.Arg270His (NM_001098512.3); c.-356G>A (NM_001374781.1); c.854G>A, p.Arg285His (NM_001374782.1); short protein forms R270H, R285H.
Identifiers: ClinVar variation 1693401 (VCV001693401.3), dbSNP rs765812630, ClinGen allele CA5503646.
Genomic context (GRCh38, chr10:52,062,550, plus strand): 5'-ATTGTGGGTAAGCAGTGGATCTAAACTTTCATTGTTTCTCTTTGCAGGTAAATGTCACTC[G>A]TGAAGACTCACCGAGTGAAGACCCAGTCTTTCTTAGAACTTTAGGAAAAGGAGACTGGTT-3'
Protein context (NP_006249.1, residues 275-295): IISKGTVNVT[Arg285His]EDSPSEDPVF